The following is an entry in ClinVar:

ClinVar aggregate classification (germline): Uncertain significance (1 of 4 stars; one submission).

gnomAD v4.1: 1 of 1,614,076 alleles (0.000062%); highest among the groups gnomAD compares: East Asian, 0.0022%; no homozygotes.

Submission:

Ambry Genetics
Classification: Uncertain significance. Last evaluated: 2024-05-16. Review status: criteria provided, single submitter. Criteria: Ambry Variant Classification Scheme 2023. Collection method: clinical testing. Allele origin: germline.
Comment: The p.C537F variant (also known as c.1610G>T), located in coding exon 11 of the RINT1 gene, results from a G to T substitution at nucleotide position 1610. The cysteine at codon 537 is replaced by phenylalanine, an amino acid with highly dissimilar properties. This amino acid position is conserved. In addition, the in silico prediction for this alteration is inconclusive. Based on the available evidence, the clinical significance of this variant remains unclear.

NM_021930.6(RINT1):c.1610G>T (p.Cys537Phe)

Gene: RINT1 (RAD50 interactor 1; plus strand). Cytogenetic location: 7q22.3.
Variant type: single nucleotide variant.
Coding change: c.1610G>T on transcript NM_021930.6 (MANE Select); coding-DNA position 1610, G replaced by T.
Protein change: p.Cys537Phe; replaces cysteine 537 with phenylalanine.
Molecular consequence: missense variant.
Genome position (GRCh38, 1-based): chr7:105,555,166, G>T. VCF-style: chr7-105555166-G-T. GRCh37 (hg19) VCF-style: chr7-105195613-G-T.
Other names: c.1376G>T, p.Cys459Phe (NM_001346599.2); c.587G>T, p.Cys196Phe (NM_001346600.2, NM_001346603.2); c.686G>T, p.Cys229Phe (NM_001346601.2); short protein forms C196F, C459F, C537F, C229F.
Identifiers: ClinVar variation 3314422 (VCV003314422.1).
Genomic context (GRCh38, chr7:105,555,166, plus strand): 5'-GGATACGATTAACACAAGTGATGAAAGAAGAGACTAGAGCTTCCCTTGGCTTTCGATACT[G>T]TGCAATTCTTAATGCTGTGAACTACATCTCAACAGTACTAGCAGATTGGGCTGACAATGT-3'
Protein context (NP_068749.3, residues 527-547): ETRASLGFRY[Cys537Phe]AILNAVNYIS